The following is an entry in ClinVar:

NM_000092.5(COL4A4):c.2023A>T (p.Arg675Trp)

Gene: COL4A4 (collagen type IV alpha 4 chain; minus strand). Cytogenetic location: 2q36.3.
Variant type: single nucleotide variant.
Coding change: c.2023A>T on transcript NM_000092.5 (MANE Select); coding-DNA position 2023, A replaced by T.
Protein change: p.Arg675Trp; replaces arginine 675 with tryptophan.
Molecular consequence: missense variant.
Genome position (GRCh38, 1-based): chr2:227,062,563, T>A on the plus strand (A>T on the coding strand, the complement: COL4A4 is on the minus strand). VCF-style: chr2-227062563-T-A. GRCh37 (hg19) VCF-style: chr2-227927279-T-A.
Other names: short protein forms R675W.
Identifiers: ClinVar variation 1387146 (VCV001387146.6), dbSNP rs1018765959, ClinGen allele CA350842557.

ClinVar aggregate classification (germline): Uncertain significance (1 of 4 stars; one submission).

Submission:

Labcorp Genetics (formerly Invitae), Labcorp
Classification: Uncertain significance. Last evaluated: 2024-10-16. Review status: criteria provided, single submitter. Criteria: Invitae Variant Classification Sherloc (09022015). Collection method: clinical testing. Allele origin: germline.
Comment: This sequence change replaces arginine, which is basic and polar, with tryptophan, which is neutral and slightly polar, at codon 675 of the COL4A4 protein (p.Arg675Trp). This variant is not present in population databases (gnomAD no frequency). This variant has not been reported in the literature in individuals affected with COL4A4-related conditions. ClinVar contains an entry for this variant (Variation ID: 1387146). Invitae Evidence Modeling of protein sequence and biophysical properties (such as structural, functional, and spatial information, amino acid conservation, physicochemical variation, residue mobility, and thermodynamic stability) indicates that this missense variant is not expected to disrupt COL4A4 protein function with a negative predictive value of 95%. In summary, the available evidence is currently insufficient to determine the role of this variant in disease. Therefore, it has been classified as a Variant of Uncertain Significance.